The following is an entry in ClinVar:

ClinVar aggregate classification (germline): Uncertain significance (1 of 4 stars; one submission).

Conditions:
Inborn genetic diseases. Identifiers: MedGen C0950123, MeSH D030342.

Allele frequency attached by ClinVar (database versions not stated): gnomAD exomes below 0.00001; TOPMed below 0.00001; ExAC 0.00001; gnomAD 0.00001.
gnomAD v4.1: 2 of 1,612,022 alleles (0.00012%); highest among the groups gnomAD compares: Admixed American, 0.0017%; no homozygotes.

Submission:

Ambry Genetics
Classification: Uncertain significance for Inborn genetic diseases. Last evaluated: 2022-02-18. Review status: criteria provided, single submitter. Criteria: Ambry Variant Classification Scheme 2023. Collection method: clinical testing. Allele origin: germline.
Comment: The p.S1579T variant (also known as c.4735T>A), located in coding exon 32 of the LRRK2 gene, results from a T to A substitution at nucleotide position 4735. The serine at codon 1579 is replaced by threonine, an amino acid with similar properties. This amino acid position is conserved. In addition, this alteration is predicted to be tolerated by in silico analysis. Since supporting evidence is limited at this time, the clinical significance of this alteration remains unclear.

NM_198578.4(LRRK2):c.4735T>A (p.Ser1579Thr)

Gene: LRRK2 (leucine rich repeat kinase 2; plus strand). Cytogenetic location: 12q12.
Variant type: single nucleotide variant.
Coding change: c.4735T>A on transcript NM_198578.4 (MANE Select); coding-DNA position 4735, T replaced by A.
Protein change: p.Ser1579Thr; replaces serine 1579 with threonine.
Molecular consequence: missense variant.
Genome position (GRCh38, 1-based): chr12:40,314,170, T>A. VCF-style: chr12-40314170-T-A. GRCh37 (hg19) VCF-style: chr12-40707972-T-A.
Other names: short protein forms S1579T.
Identifiers: ClinVar variation 1742741 (VCV001742741.2), dbSNP rs770620045, ClinGen allele CA6514260.
Genomic context (GRCh38, chr12:40,314,170, plus strand): 5'-GAAAATCAGCTGCAGTTAGATGAAAATGAGCTTCCTCACGCAGTTCACTTTCTAAATGAA[T>A]CAGGTTTGTGTTTTTCGTTCCTTATTTTCAAAGCTCAGCTGTAGTAACTTATAAAAGTGT-3'
Protein context (NP_940980.4, residues 1569-1589): LPHAVHFLNE[Ser1579Thr]GVLLHFQDPA